The following is an entry in ClinVar:

ClinVar aggregate classification (germline): Conflicting classifications of pathogenicity. Review status: criteria provided, conflicting classifications (1 of 4 stars). 4 submissions from 4 submitters: Likely pathogenic (1); Uncertain significance (2). 1 of the submissions does not count toward it. Last evaluated 2025-12-22.

Conditions:
Epidermolysis bullosa dystrophica inversa, autosomal recessive. Identifiers: MedGen C2673612.
Recessive dystrophic epidermolysis bullosa (RDEB). Also called: EPIDERMOLYSIS BULLOSA DYSTROPHICA, GENERALIZED SEVERE, AUTOSOMAL RECESSIVE; Hallopeau-Siemens Disease; severe generalized recessive dystrophic epidermolysis bullosa; epidermolysis bullosa dystrophica, autosomal recessive; Recessive DEB (RDEB); DYSTROPHIC EPIDERMOLYSIS BULLOSA, AUTOSOMAL RECESSIVE. Identifiers: Orphanet 79408, Orphanet 79409, MedGen C0079474, MONDO:0009179, OMIM 226600.

Allele frequency attached by ClinVar (database versions not stated): ExAC 0.00002; gnomAD 0.00002; TOPMed 0.00002; gnomAD exomes 0.00004.
gnomAD v4.1: 41 of 1,612,212 alleles (0.0025%); highest among the groups gnomAD compares: East Asian, 0.067%; no homozygotes.

Submissions (4):

Myriad Genetics, Inc.
Classification: Uncertain significance for Recessive dystrophic epidermolysis bullosa. Last evaluated: 2025-12-22. Review status: criteria provided, single submitter. Criteria: Myriad Autosomal Dominant, Autosomal Recessive and X-Linked Classification Criteria (2023). Collection method: clinical testing. Allele origin: unknown.
Comment: NM_000094.3(COL7A1):c.5441G>A(R1814H) is a missense variant classified as a variant of uncertain significance in the context of dystrophic epidermolysis bullosa. R1814H has not been observed in cases with relevant disease. Relevant functional assessments of this variant are not available in the literature. R1814H has been observed in referenced population frequency databases. In summary, there is insufficient evidence to classify NM_000094.3(COL7A1):c.5441G>A(R1814H) as pathogenic or benign. Please note: this variant was assessed in the context of healthy population screening.

Labcorp Genetics (formerly Invitae), Labcorp
Classification: Likely pathogenic. Last evaluated: 2024-01-11. Review status: criteria provided, single submitter. Criteria: Invitae Variant Classification Sherloc (09022015). Collection method: clinical testing. Allele origin: germline.
Comment: This sequence change replaces arginine, which is basic and polar, with histidine, which is basic and polar, at codon 1814 of the COL7A1 protein (p.Arg1814His). This variant is present in population databases (rs756258247, gnomAD 0.04%). This variant has not been reported in the literature in individuals affected with COL7A1-related conditions. ClinVar contains an entry for this variant (Variation ID: 991824). Advanced modeling of protein sequence and biophysical properties (such as structural, functional, and spatial information, amino acid conservation, physicochemical variation, residue mobility, and thermodynamic stability) has been performed at Invitae for this missense variant, however the output from this modeling did not meet the statistical confidence thresholds required to predict the impact of this variant on COL7A1 protein function. This variant disrupts the p.Arg1814 amino acid residue in COL7A1. Other variant(s) that disrupt this residue have been determined to be pathogenic (PMID: 17425959, 20184583). This suggests that this residue is clinically significant, and that variants that disrupt this residue are likely to be disease-causing. In summary, the currently available evidence indicates that the variant is pathogenic, but additional data are needed to prove that conclusively. Therefore, this variant has been classified as Likely Pathogenic.

Women's Health and Genetics/Laboratory Corporation of America, LabCorp
Classification: Uncertain significance. Last evaluated: 2023-05-15. Review status: criteria provided, single submitter. Criteria: LabCorp Variant Classification Summary - May 2015. Collection method: clinical testing. Allele origin: germline.
Comment: Variant summary: COL7A1 c.5441G>A (p.Arg1814His) results in a non-conservative amino acid change in the encoded protein sequence. Four of five in-silico tools predict a damaging effect of the variant on protein function. The variant allele was found at a frequency of 3.6e-05 in 249370 control chromosomes (gnomAD). The available data on variant occurrences in the general population are insufficient to allow any conclusion about variant significance. To our knowledge, no occurrence of c.5441G>A in individuals affected with Dystrophic Epidermolysis Bullosa, Recessive and no experimental evidence demonstrating its impact on protein function have been reported. Two clinical diagnostic laboratories have submitted clinical-significance assessments for this variant to ClinVar after 2014 and classified the variant as likely pathogenic and as uncertain significance. Based on the evidence outlined above, the variant was classified as uncertain significance.

Natera, Inc.
Classification: Uncertain significance for Autosomal recessive epidermolysis bullosa dystrophica inversa. Last evaluated: 2020-08-24. Review status: no assertion criteria provided. Collection method: clinical testing. Allele origin: germline. Not counted in ClinVar's aggregate classification.

Literature cited by the submitters: PubMed 17425959 (cited by Labcorp Genetics (formerly Invitae), Labcorp); PubMed 20184583 (cited by Labcorp Genetics (formerly Invitae), Labcorp).

NM_000094.4(COL7A1):c.5441G>A (p.Arg1814His)

Gene: COL7A1 (collagen type VII alpha 1 chain; minus strand). Cytogenetic location: 3p21.31.
Variant type: single nucleotide variant.
Coding change: c.5441G>A on transcript NM_000094.4 (MANE Select); coding-DNA position 5441, G replaced by A.
Protein change: p.Arg1814His; replaces arginine 1814 with histidine.
Molecular consequence: missense variant.
Genome position (GRCh38, 1-based): chr3:48,578,499, C>T on the plus strand (G>A on the coding strand, the complement: COL7A1 is on the minus strand). VCF-style: chr3-48578499-C-T. GRCh37 (hg19) VCF-style: chr3-48615932-C-T.
Other names: c.5441G>A (NM_000094.3); short protein forms R1814H.
Identifiers: ClinVar variation 991824 (VCV000991824.7), dbSNP rs756258247, ClinGen allele CA2379493.